The following is an entry in ClinVar:

NM_213647.3(FGFR4):c.1652A>C (p.Glu551Ala)

Gene: FGFR4 (fibroblast growth factor receptor 4; plus strand). Cytogenetic location: 5q35.2.
Variant type: single nucleotide variant.
Coding change: c.1652A>C on transcript NM_213647.3 (MANE Select); coding-DNA position 1652, A replaced by C.
Protein change: p.Glu551Ala; replaces glutamic acid 551 with alanine.
Molecular consequence: missense variant.
Genome position (GRCh38, 1-based): chr5:177,095,554, A>C. VCF-style: chr5-177095554-A-C. GRCh37 (hg19) VCF-style: chr5-176522555-A-C.
Other names: c.1448A>C, p.Glu483Ala (NM_001291980.2); c.1652A>C, p.Glu551Ala (NM_001354984.2, NM_002011.5); c.1532A>C, p.Glu511Ala (NM_022963.3); short protein forms E483A, E511A, E551A.
Identifiers: ClinVar variation 4530032 (VCV004530032.1).

ClinVar aggregate classification (somatic clinical impact): Tier II - Potential (1 of 4 stars; one submission).

Conditions:
Embryonal rhabdomyosarcoma (ERMS). Also called: Botryoid rhabdomyosarcoma (type of ERMS); Spindle cell rhabdomyosarcomas (type of ERMS). Identifiers: Orphanet 99757, MedGen C0206656, MONDO:0009993, HP:0006743.

Submission:

Institute for Genomic Medicine (IGM) Clinical Laboratory, Nationwide Children's Hospital
Classification: Tier II - Potential for Embryonal rhabdomyosarcoma. Assertion type: diagnostic. Clinical significance: supports diagnosis. Last evaluated: 2024-03-19. Review status: criteria provided, single submitter. Criteria: AMP/ASCO/CAP Guidelines, 2017. Collection method: clinical testing. Allele origin: somatic. Affected: yes.
Comment: Variant has Tier II (potential) clinical significance as a diagnostic inclusion criterion in embryonal rhabdomyosarcoma, based on the following evidence: 1) Diagnostic significance based on multiple small studies (Evidence Level C; PMIDs: 24436047, 34166060, 24332040, 25768946, 19809159).

Literature cited by the submitters: PubMed 24436047; PubMed 34166060; PubMed 24332040; PubMed 25768946; PubMed 19809159.